The following is an entry in ClinVar:

NM_002666.5(PLIN1):c.335_350del (p.Ile112fs)

Gene: PLIN1 (perilipin 1; minus strand). Cytogenetic location: 15q26.1.
Variant type: Deletion.
Coding change: c.335_350del on transcript NM_002666.5 (MANE Select); coding-DNA positions 335 to 350, 16 bases deleted (TTGCTTCTGAGCTGAA).
Protein change: p.Ile112fs; shifts the reading frame from isoleucine 112.
Molecular consequence: frameshift variant.
Genome position (GRCh38, 1-based): chr15:89,670,228-89,670,243, TTCAGCTCAGAAGCAA deleted on the plus strand (TTGCTTCTGAGCTGAA on the coding strand, the reverse complement: PLIN1 is on the minus strand); deleting any 16 consecutive bases within chr15:89,670,228-89,670,244 gives the same sequence; the c. name uses the placement nearest the transcript's 3' end. VCF-style (leftmost placement, unchanged base first): chr15-89670227-CTTCAGCTCAGAAGCAA-C. GRCh37 (hg19) VCF-style: chr15-90213458-CTTCAGCTCAGAAGCAA-C.
Other names: c.335_350del, p.Ile112fs (NM_001145311.2); short protein forms I112fs.
Identifiers: ClinVar variation 4926593 (VCV004926593.2).
Genomic context (GRCh38, chr15:89,670,227, plus strand): 5'-GCTCGCGATGGGAACGCTGATGCTGTTTCTGGCACTGCGGAGGCGGGTGGAGATGGTGTC[CTTCAGCTCAGAAGCAA>C]TCTGGGGGAAGTTGGTGGGGGTGTTAGGCATGTGGTCTTGCAGGCCCTACAAGGGCTGCC-3'

ClinVar aggregate classification (germline): Conflicting classifications of pathogenicity. Review status: criteria provided, conflicting classifications (1 of 4 stars). 2 submissions from 2 submitters: Likely pathogenic (1); Uncertain significance (1). Last evaluated 2026-10-27.

Conditions:
PLIN1-related familial partial lipodystrophy. Also called: LIPODYSTROPHY, FAMILIAL PARTIAL, ASSOCIATED WITH PLIN1 MUTATIONS. Identifiers: Orphanet 280356, MedGen C5191005, MONDO:0013478, OMIM 613877.

Submissions (2):

Nephrology Department, Antalya Training and Research Hospital
Classification: Likely pathogenic for PLIN1-related familial partial lipodystrophy. Last evaluated: 2026-10-27. Review status: criteria provided, single submitter. Criteria: ACMG Guidelines, 2015. Collection method: provider interpretation. Allele origin: germline. Observed: 1 variant allele, 1 homozygote.
Comment: The PLIN1 c.335_350del (p.Ile112ArgfsTer103) variant was classified as likely pathogenic by the reporting laboratory based on PVS1 (Very Strong) and PM2 (Supporting). The variant is predicted to result in premature protein truncation. However, the disease-specific applicability of PVS1 at very strong strength warrants consideration, because established FPLD4-associated PLIN1 variants predominantly involve C-terminal protein-extending frameshifts.

Blueprint Genetics
Classification: Uncertain significance. Last evaluated: 2024-06-20. Review status: criteria provided, single submitter. Criteria: ACMG Guidelines, 2015. Collection method: clinical testing. Allele origin: germline.

Literature cited by the submitters: PubMed 30020498 (cited by Nephrology Department, Antalya Training and Research Hospital); PubMed 31504636 (cited by Nephrology Department, Antalya Training and Research Hospital).